The following is an entry in ClinVar:

ClinVar aggregate classification (germline): Likely pathogenic. Review status: criteria provided, single submitter (1 of 4 stars). 2 submissions from 2 submitters: Likely pathogenic (1). 1 of the submissions does not count toward it. Last evaluated 2025-01-26.

Conditions:
Bifunctional peroxisomal enzyme deficiency (DBIF). Also called: PBFE DEFICIENCY; DBP DEFICIENCY; D-bifunctional protein deficiency. Identifiers: Orphanet 300, MedGen C0342870, MONDO:0009855, OMIM 261515. Disease mechanism: loss of function.

Submissions (2):

Natera, Inc.
Classification: Likely pathogenic for Bifunctional peroxisomal enzyme deficiency. Last evaluated: 2025-01-26. Review status: criteria provided, single submitter. Criteria: Natera Variant Classification Schema (03/2026). Collection method: clinical testing. Allele origin: germline.
Comment: The c.221-1G>C variant in HSD17B4 is a canonical splice acceptor site variant predicted to affect pre-mRNA splicing, which may result in an abnormal transcript and altered protein product. This variant is expected to result in nonsense mediated decay, truncation, or a dysfunctional protein product. This variant is rare in the general population with a frequency below the threshold expected for the associated phenotype(s). Given the available evidence, this variant is classified as Likely Pathogenic.

Counsyl
Classification: Likely pathogenic for Bifunctional peroxisomal enzyme deficiency. Last evaluated: 2017-10-27. Review status: no assertion criteria provided. Collection method: clinical testing. Allele origin: unknown. Not counted in ClinVar's aggregate classification.

NM_000414.4(HSD17B4):c.221-1G>C

Gene: HSD17B4 (hydroxysteroid 17-beta dehydrogenase 4; plus strand). Cytogenetic location: 5q23.1.
Variant type: single nucleotide variant.
Coding change: c.221-1G>C on transcript NM_000414.4 (MANE Select); the canonical splice acceptor site of the intron before coding-DNA position 221, G replaced by C.
Molecular consequence: splice acceptor variant.
Genome position (GRCh38, 1-based): chr5:119,474,400, G>C. VCF-style: chr5-119474400-G-C. GRCh37 (hg19) VCF-style: chr5-118810095-G-C.
Other names: c.-191-1G>C (NM_001374503.1, NM_001374502.1, NM_001374501.1 and 1 more transcripts); c.296-1G>C (NM_001199291.3); c.-60-1G>C (NM_001374499.1); c.-318-1G>C (NM_001374500.1); c.149-1G>C (NM_001292027.2); c.221-1G>C (NM_001374498.1, NM_001374497.1); c.167-1G>C (NM_001199292.2).
Identifiers: ClinVar variation 554633 (VCV000554633.4), dbSNP rs1554062168, ClinGen allele CA360864537.